The following is an entry in ClinVar:

NM_172107.4(KCNQ2):c.173GCGCGGGCG[3] (p.Gly61_Gly63dup)

Gene: KCNQ2 (potassium voltage-gated channel subfamily Q member 2; minus strand). Cytogenetic location: 20q13.33.
Variant type: Microsatellite.
Coding change: c.173GCGCGGGCG[3] on transcript NM_172107.4 (MANE Select); three copies in a row of the 9-base unit GCGCGGGCG starting at c.173; the reference has two copies in a row; one copy, 9 bases duplicated; also written c.182_190dup.
Protein change: p.Gly61_Gly63dup.
Molecular consequence: inframe insertion.
Genome position (GRCh38, 1-based): chr20:63,472,274-63,472,282, CGCCCGCGC duplicated on the plus strand (GCGCGGGCG on the coding strand, the reverse complement: KCNQ2 is on the minus strand); duplicating any 9 consecutive bases within chr20:63,472,274-63,472,291 gives the same sequence; the position shown is the placement nearest the transcript's 3' end. VCF-style (leftmost placement, unchanged base first): chr20-63472273-G-GCGCCCGCGC. GRCh37 (hg19) VCF-style: chr20-62103626-G-GCGCCCGCGC.
Other names: c.182_190dup (NM_172107.4); c.173GCGCGGGCG[3], p.Gly61_Gly63dup (NM_001382235.1, NM_004518.6, NM_172106.3 and 2 more transcripts).
Identifiers: ClinVar variation 1475175 (VCV001475175.10), dbSNP rs1362316126, ClinGen allele CA636614357.
Genomic context (GRCh38, chr20:63,472,273, plus strand): 5'-ACGTTGTAGAGGAAATTCTGCAGCTTGCGGTAGAAGGCGTTGCGCTTGGGGGGCTTCCCG[G>GCGCCCGCGC]CGCCCGCGCCGCCCGCGCGAGGTTTGCTGAGGATGCTGCCGCGCTTGGGGGCCTCGGAGC-3'

ClinVar aggregate classification (germline): Uncertain significance. Review status: criteria provided, multiple submitters, no conflicts (2 of 4 stars). 2 submissions from 2 submitters: Uncertain significance (2). Last evaluated 2021-10-25.

Conditions:
Seizures, benign familial neonatal, 1. Also called: KCNQ2-Related Self-Limited Familial Neonatal Epilepsy (SLFNE); Benign Neonatal Epilepsy 1; KCNQ2-Related Benign Familial Neonatal Epilepsy; Seizures, benign neonatal, 1. Identifiers: Orphanet 1949, MedGen C3149074, MONDO:0007365, OMIM 121200.
Developmental and epileptic encephalopathy, 7 (DEE7). Also called: KCNQ2-Related Neonatal-Onset Developmental and Epileptic Encephalopathy (NEO-DEE); Early infantile epileptic encephalopathy 7; KCNQ2-Related Neonatal Epileptic Encephalopathy. Identifiers: Orphanet 439218, MedGen C3150986, MONDO:0013387, OMIM 613720.
Early-infantile DEE. Also called: Early infantile epileptic encephalopathy; Ohtahara syndrome; Early infantile epileptic encephalopathy with suppression bursts. Identifiers: Orphanet 1934, MedGen C0393706, MONDO:0800491.

Submissions (2):

Fulgent Genetics
Classification: Uncertain significance for Seizures, benign familial neonatal, 1; Developmental and epileptic encephalopathy, 7. Last evaluated: 2021-10-25. Review status: criteria provided, single submitter. Criteria: ACMG Guidelines, 2015. Collection method: clinical testing. Allele origin: unknown.

Labcorp Genetics (formerly Invitae), Labcorp
Classification: Uncertain significance for Early-infantile DEE. Last evaluated: 2021-06-03. Review status: criteria provided, single submitter. Criteria: Invitae Variant Classification Sherloc (09022015). Collection method: clinical testing. Allele origin: germline.
Comment: In summary, the available evidence is currently insufficient to determine the role of this variant in disease. Therefore, it has been classified as a Variant of Uncertain Significance. Experimental studies and prediction algorithms are not available or were not evaluated, and the functional significance of this variant is currently unknown. This variant has not been reported in the literature in individuals with KCNQ2-related conditions. The frequency data for this variant in the population databases is considered unreliable, as metrics indicate insufficient coverage at this position in the ExAC database. This variant, c.182_190dup, results in the insertion of 3 amino acid(s) to the KCNQ2 protein (p.Gly61_Gly63dup), but otherwise preserves the integrity of the reading frame.